The following is an entry in ClinVar:

ClinVar aggregate classification (germline): Uncertain significance (1 of 4 stars; one submission).

Conditions:
Hereditary cancer-predisposing syndrome. Also called: Hereditary Cancer Syndrome; Hereditary neoplastic syndrome; Neoplastic Syndromes, Hereditary; Tumor predisposition. Identifiers: Orphanet 140162, MedGen C0027672, MeSH D009386, MONDO:0015356.

Submission:

Ambry Genetics
Classification: Uncertain significance for Hereditary cancer-predisposing syndrome. Last evaluated: 2022-05-01. Review status: criteria provided, single submitter. Criteria: Ambry Variant Classification Scheme 2023. Collection method: clinical testing. Allele origin: germline.
Comment: The p.R433S variant (also known as c.1299A>C), located in coding exon 9 of the RAD50 gene, results from an A to C substitution at nucleotide position 1299. The arginine at codon 433 is replaced by serine, an amino acid with dissimilar properties. This amino acid position is conserved. In addition, the in silico prediction for this alteration is inconclusive. Since supporting evidence is limited at this time, the clinical significance of this alteration remains unclear.

NM_005732.4(RAD50):c.1299A>C (p.Arg433Ser)

Gene: RAD50 (RAD50 double strand break repair protein; plus strand). Cytogenetic location: 5q31.1.
Variant type: single nucleotide variant.
Coding change: c.1299A>C on transcript NM_005732.4 (MANE Select); coding-DNA position 1299, A replaced by C.
Protein change: p.Arg433Ser; replaces arginine 433 with serine.
Molecular consequence: missense variant.
Genome position (GRCh38, 1-based): chr5:132,589,684, A>C. VCF-style: chr5-132589684-A-C. GRCh37 (hg19) VCF-style: chr5-131925376-A-C.
Other names: short protein forms R433S.
Identifiers: ClinVar variation 1769279 (VCV001769279.2), dbSNP rs2479636927, ClinGen allele CA360943716.